The following is an entry in ClinVar:

NM_001134363.3(RBM20):c.2843G>A (p.Cys948Tyr)

Gene: RBM20 (RNA binding motif protein 20; plus strand). Cytogenetic location: 10q25.2.
Variant type: single nucleotide variant.
Coding change: c.2843G>A on transcript NM_001134363.3 (MANE Select); coding-DNA position 2843, G replaced by A.
Protein change: p.Cys948Tyr; replaces cysteine 948 with tyrosine.
Molecular consequence: missense variant.
Genome position (GRCh38, 1-based): chr10:110,821,462, G>A. VCF-style: chr10-110821462-G-A. GRCh37 (hg19) VCF-style: chr10-112581220-G-A.
Other names: short protein forms C948Y.
Identifiers: ClinVar variation 2449377 (VCV002449377.3), dbSNP rs763189178, ClinGen allele CA5688716.
Genomic context (GRCh38, chr10:110,821,462, plus strand): 5'-AGCTGGAAGAAATTGTGCCCATTGACCAGAAAGACAAAATTTGCCCAGAAACATGTCTGT[G>A]TGTGACAACCACCTTAGACTTAGACCTGGCCCAGGATTTCCCCAAGGAAGGAGTCAAGGC-3'
Protein context (NP_001127835.2, residues 938-958): KDKICPETCL[Cys948Tyr]VTTTLDLDLA

ClinVar aggregate classification (germline): Conflicting classifications of pathogenicity. Review status: criteria provided, conflicting classifications (1 of 4 stars). 2 submissions from 2 submitters: Uncertain significance (1); Likely benign (1). Last evaluated 2025-11-24.

Conditions:
Cardiovascular phenotype. Identifiers: MedGen CN230736.
Dilated cardiomyopathy 1DD (CMD1DD). Identifiers: Orphanet 154, MedGen C2750995, MONDO:0013168, OMIM 613172.

Allele frequency attached by ClinVar (database versions not stated): gnomAD 0.00001; gnomAD exomes 0.00002; ExAC 0.00023.
gnomAD v4.1: 31 of 1,551,746 alleles (0.002%); highest among the groups gnomAD compares: South Asian, 0.036%; no homozygotes.

Submissions (2):

Labcorp Genetics (formerly Invitae), Labcorp
Classification: Likely benign for Dilated cardiomyopathy 1DD. Last evaluated: 2025-11-24. Review status: criteria provided, single submitter. Criteria: Invitae Variant Classification Sherloc (09022015). Collection method: clinical testing. Allele origin: germline.

Ambry Genetics
Classification: Uncertain significance for Cardiovascular phenotype. Last evaluated: 2022-11-02. Review status: criteria provided, single submitter. Criteria: Ambry Variant Classification Scheme 2023. Collection method: clinical testing. Allele origin: germline.
Comment: The p.C948Y variant (also known as c.2843G>A), located in coding exon 11 of the RBM20 gene, results from a G to A substitution at nucleotide position 2843. The cysteine at codon 948 is replaced by tyrosine, an amino acid with highly dissimilar properties. This amino acid position is conserved. In addition, this alteration is predicted to be tolerated by in silico analysis. Since supporting evidence is limited at this time, the clinical significance of this alteration remains unclear.